The following is an entry in ClinVar:

NM_020247.5(COQ8A):c.1877G>A (p.Arg626His)

Gene: COQ8A (coenzyme Q8A; plus strand). Cytogenetic location: 1q42.13.
Variant type: single nucleotide variant.
Coding change: c.1877G>A on transcript NM_020247.5 (MANE Select); coding-DNA position 1877, G replaced by A.
Protein change: p.Arg626His; replaces arginine 626 with histidine.
Molecular consequence: missense variant.
Genome position (GRCh38, 1-based): chr1:226,986,670, G>A. VCF-style: chr1-226986670-G-A. GRCh37 (hg19) VCF-style: chr1-227174371-G-A.
Other names: p.Arg626His; short protein forms R626H.
Identifiers: ClinVar variation 1404327 (VCV001404327.5), dbSNP rs749400284, ClinGen allele CA1425697.

ClinVar aggregate classification (germline): Uncertain significance. Review status: criteria provided, multiple submitters, no conflicts (2 of 4 stars). 2 submissions from 2 submitters: Uncertain significance (2). Last evaluated 2025-05-12.

Allele frequency attached by ClinVar (database versions not stated): ExAC 0.00001; gnomAD exomes 0.00001 and 0.00006; gnomAD 0.00002; TOPMed 0.00004.
gnomAD v4.1: 91 of 1,613,952 alleles (0.0056%); highest among the groups gnomAD compares: Middle Eastern, 0.016%; no homozygotes.

Submissions (2):

Mayo Clinic Laboratories, Mayo Clinic
Classification: Uncertain significance. Last evaluated: 2025-05-12. Review status: criteria provided, single submitter. Criteria: ACMG Guidelines, 2015. Collection method: clinical testing. Allele origin: germline. Observed: 1 variant allele.
Comment: BP4_moderate

Labcorp Genetics (formerly Invitae), Labcorp
Classification: Uncertain significance. Last evaluated: 2022-10-17. Review status: criteria provided, single submitter. Criteria: Invitae Variant Classification Sherloc (09022015). Collection method: clinical testing. Allele origin: germline.
Comment: This sequence change replaces arginine, which is basic and polar, with histidine, which is basic and polar, at codon 626 of the COQ8A protein (p.Arg626His). This variant is present in population databases (rs749400284, gnomAD 0.003%). This missense change has been observed in individual(s) with clinical features of coenzyme Q10 deficiency (Invitae). ClinVar contains an entry for this variant (Variation ID: 1404327). Algorithms developed to predict the effect of missense changes on protein structure and function (SIFT, PolyPhen-2, Align-GVGD) all suggest that this variant is likely to be tolerated. In summary, the available evidence is currently insufficient to determine the role of this variant in disease. Therefore, it has been classified as a Variant of Uncertain Significance.